The following is an entry in ClinVar:

NM_001093.4(ACACB):c.4140-10G>T

Gene: ACACB (acetyl-CoA carboxylase beta; plus strand). Cytogenetic location: 12q24.11.
Variant type: single nucleotide variant.
Coding change: c.4140-10G>T on transcript NM_001093.4 (MANE Select); 10 bases into the intron before coding-DNA position 4140, G replaced by T.
Molecular consequence: intron variant.
Genome position (GRCh38, 1-based): chr12:109,233,738, G>T. VCF-style: chr12-109233738-G-T. GRCh37 (hg19) VCF-style: chr12-109671543-G-T.
Other names: c.4140-10G>T (NM_001412734.1, NM_001412735.1); c.3513-10G>T (NM_001412737.1); c.3534-10G>T (NM_001412736.1, NM_001412739.1); c.3345-10G>T (NM_001412738.1).
Identifiers: ClinVar variation 3055116 (VCV003055116.2), dbSNP rs200332016, ClinGen allele CA6774273.

ClinVar aggregate classification (germline): Likely benign (0 of 4 stars; one submission).

Conditions:
ACACB-related disorder. Also called: ACACB-related condition.

Allele frequency attached by ClinVar (database versions not stated): 1000 Genomes Project 30x 0.00016; 1000 Genomes Project 0.00020.
gnomAD v4.1: 9 of 1,612,508 alleles (0.00056%); highest among the groups gnomAD compares: Admixed American, 0.012%; no homozygotes.

Submission:

PreventionGenetics, part of Exact Sciences
Classification: Likely benign for ACACB-related condition. Last evaluated: 2020-05-18. Review status: no assertion criteria provided. Collection method: clinical testing. Allele origin: germline.
Comment: This variant is classified as likely benign based on ACMG/AMP sequence variant interpretation guidelines (Richards et al. 2015 PMID: 25741868, with internal and published modifications).